The following is an entry in ClinVar:

ClinVar aggregate classification (germline): Conflicting classifications of pathogenicity. Review status: criteria provided, conflicting classifications (1 of 4 stars). 4 submissions from 4 submitters: Uncertain significance (3); Benign (1). Last evaluated 2025-10-27.

Conditions:
RAI1-related disorder. Also called: RAI1-related condition.
Smith-Magenis syndrome (SMS). Also called: CHROMOSOME 17p11.2 DELETION SYNDROME. Identifiers: Orphanet 819, MedGen C0795864, MONDO:0008434, OMIM 182290.

Allele frequency attached by ClinVar (database versions not stated): gnomAD 0.00001; TOPMed 0.00001; gnomAD exomes 0.00002; ExAC 0.00003; 1000 Genomes Project 30x 0.00031; 1000 Genomes Project 0.00040.
gnomAD v4.1: 5 of 1,612,966 alleles (0.00031%); highest among the groups gnomAD compares: African/African-American, 0.0027%; no homozygotes.

Submissions (4):

Labcorp Genetics (formerly Invitae), Labcorp
Classification: Benign. Last evaluated: 2025-10-27. Review status: criteria provided, single submitter. Criteria: Invitae Variant Classification Sherloc (09022015). Collection method: clinical testing. Allele origin: germline.

PreventionGenetics, part of Exact Sciences
Classification: Uncertain significance for RAI1-related condition. Last evaluated: 2024-10-10. Review status: criteria provided, single submitter. Criteria: ACMG Guidelines, 2015. Collection method: clinical testing. Allele origin: germline.
Comment: The RAI1 c.5225G>T variant is predicted to result in the amino acid substitution p.Gly1742Val. To our knowledge, this variant has not been reported in the literature. This variant is reported in 0.013% of alleles in individuals of African descent in gnomAD. Although we suspect that this variant may be benign, at this time, the clinical significance of this variant is uncertain due to the absence of conclusive functional and genetic evidence.

Department of Pathology and Laboratory Medicine, Sinai Health System
Classification: Uncertain significance for Smith-Magenis syndrome. Last evaluated: 2021-07-30. Review status: criteria provided, single submitter. Criteria: ACMG Guidelines, 2015. Collection method: research. Allele origin: germline.

New York Genome Center
Classification: Uncertain significance for Smith-Magenis syndrome. Last evaluated: 2021-07-30. Review status: criteria provided, single submitter. Criteria: NYGC Assertion Criteria 2020. Collection method: clinical testing. Allele origin: germline. Observed: 1 heterozygote. Study: CSER-NYCKidSeq.

NM_030665.4(RAI1):c.5225G>T (p.Gly1742Val)

Gene: RAI1 (retinoic acid induced 1; plus strand). Cytogenetic location: 17p11.2.
Variant type: single nucleotide variant.
Coding change: c.5225G>T on transcript NM_030665.4 (MANE Select); coding-DNA position 5225, G replaced by T.
Protein change: p.Gly1742Val; replaces glycine 1742 with valine.
Molecular consequence: missense variant.
Genome position (GRCh38, 1-based): chr17:17,798,173, G>T. VCF-style: chr17-17798173-G-T. GRCh37 (hg19) VCF-style: chr17-17701487-G-T.
Other names: c.5225G>T (NM_030665.3); short protein forms G1742V.
Identifiers: ClinVar variation 1696440 (VCV001696440.6), dbSNP rs558768145, ClinGen allele CA8419113.